The following is an entry in ClinVar:

NM_016030.6(TRAPPC12):c.1445T>C (p.Ile482Thr)

Gene: TRAPPC12 (trafficking protein particle complex subunit 12; plus strand). Cytogenetic location: 2p25.3.
Variant type: single nucleotide variant.
Coding change: c.1445T>C on transcript NM_016030.6 (MANE Select); coding-DNA position 1445, T replaced by C.
Protein change: p.Ile482Thr; replaces isoleucine 482 with threonine.
Molecular consequence: missense variant.
Genome position (GRCh38, 1-based): chr2:3,443,806, T>C. VCF-style: chr2-3443806-T-C. GRCh37 (hg19) VCF-style: chr2-3447577-T-C.
Other names: c.1445T>C (NM_016030.5); c.1445T>C, p.Ile482Thr (NM_001321102.2); short protein forms I482T.
Identifiers: ClinVar variation 1585929 (VCV001585929.16), dbSNP rs150167013, ClinGen allele CA1515449.

ClinVar aggregate classification (germline): Conflicting classifications of pathogenicity. Review status: criteria provided, conflicting classifications (1 of 4 stars). 4 submissions from 4 submitters: Uncertain significance (1); Benign (1); Likely benign (1). 1 of the submissions does not count toward it. Last evaluated 2025-12-20.

Conditions:
TRAPPC12-related disorder. Also called: TRAPPC12-related condition.

Allele frequency attached by ClinVar (database versions not stated): 1000 Genomes Project 30x 0.00016; 1000 Genomes Project 0.00020; TOPMed 0.00087; ESP Exome Variant Server 0.00131; ExAC 0.00164; gnomAD 0.00171 and 0.00184; gnomAD exomes 0.00177.
gnomAD v4.1: 2,459 of 1,614,120 alleles (0.15%); highest among the groups gnomAD compares: Non-Finnish European, 0.15%; 1 homozygote.

Submissions (4):

Labcorp Genetics (formerly Invitae), Labcorp
Classification: Benign. Last evaluated: 2025-12-20. Review status: criteria provided, single submitter. Criteria: Invitae Variant Classification Sherloc (09022015). Collection method: clinical testing. Allele origin: germline.

CeGaT Center for Human Genetics Tuebingen
Classification: Uncertain significance. Last evaluated: 2025-12-01. Review status: criteria provided, single submitter. Criteria: CeGaT Center For Human Genetics Tuebingen Variant Classification Criteria Version 2. Collection method: clinical testing. Allele origin: germline. Affected: yes. Observed: 1 variant allele.
Comment: TRAPPC12: PM2

Blueprint Genetics
Classification: Likely benign. Last evaluated: 2024-11-08. Review status: criteria provided, single submitter. Criteria: ACMG Guidelines, 2015. Collection method: clinical testing. Allele origin: germline.

PreventionGenetics, part of Exact Sciences
Classification: Benign for TRAPPC12-related condition. Last evaluated: 2019-12-03. Review status: no assertion criteria provided. Collection method: clinical testing. Allele origin: germline. Not counted in ClinVar's aggregate classification.
Comment: This variant is classified as benign based on ACMG/AMP sequence variant interpretation guidelines (Richards et al. 2015 PMID: 25741868, with internal and published modifications).